The following is an entry in ClinVar:

ClinVar aggregate classification (germline): Uncertain significance (1 of 4 stars; one submission).

Conditions:
COG1 congenital disorder of glycosylation (CDG2G). Also called: CONGENITAL DISORDER OF GLYCOSYLATION, TYPE IIg; CDG IIg; CDGII/COG1 CEREBROCOSTOMANDIBULAR-LIKE SYNDROME. Identifiers: Orphanet 263508, MedGen C2931011, MONDO:0012637, OMIM 611209.

Allele frequency attached by ClinVar (database versions not stated): gnomAD exomes below 0.00001.
gnomAD v4.1: 1 of 1,614,028 alleles (0.000062%); highest among the groups gnomAD compares: Non-Finnish European, 0.000085%; no homozygotes.

Submission:

Labcorp Genetics (formerly Invitae), Labcorp
Classification: Uncertain significance for COG1 congenital disorder of glycosylation. Last evaluated: 2022-11-05. Review status: criteria provided, single submitter. Criteria: Invitae Variant Classification Sherloc (09022015). Collection method: clinical testing. Allele origin: germline.
Comment: In summary, the available evidence is currently insufficient to determine the role of this variant in disease. Therefore, it has been classified as a Variant of Uncertain Significance. Algorithms developed to predict the effect of missense changes on protein structure and function (SIFT, PolyPhen-2, Align-GVGD) all suggest that this variant is likely to be tolerated. This variant has not been reported in the literature in individuals affected with COG1-related conditions. This variant is not present in population databases (gnomAD no frequency). This sequence change replaces serine, which is neutral and polar, with phenylalanine, which is neutral and non-polar, at codon 942 of the COG1 protein (p.Ser942Phe).

NM_018714.3(COG1):c.2825C>T (p.Ser942Phe)

Genes: VCF1 (VCP nuclear cofactor family member 1; minus strand), COG1 (component of oligomeric golgi complex 1; plus strand). Cytogenetic location: 17q25.1.
Variant type: single nucleotide variant.
Coding change: c.2825C>T on transcript NM_018714.3 (MANE Select); coding-DNA position 2825, C replaced by T.
Protein change: p.Ser942Phe; replaces serine 942 with phenylalanine.
Molecular consequence: missense variant. On other transcripts: 3 prime UTR variant (5).
Genome position (GRCh38, 1-based): chr17:73,208,333, C>T. VCF-style: chr17-73208333-C-T. GRCh37 (hg19) VCF-style: chr17-71204472-C-T.
Other names: c.*1345G>A (NM_001289410.1, NM_001289411.1); c.*1196G>A (NM_001289412.2, NM_032837.3, NM_001098832.2); short protein forms S942F.
Identifiers: ClinVar variation 2809614 (VCV002809614.3), dbSNP rs2511092504, ClinGen allele CA400898221.